The following is an entry in ClinVar:

NM_201384.3(PLEC):c.6041T>G (p.Leu2014Arg)

Gene: PLEC (plectin; minus strand). Cytogenetic location: 8q24.3.
Variant type: single nucleotide variant.
Coding change: c.6041T>G on transcript NM_201384.3 (MANE Select); coding-DNA position 6041, T replaced by G.
Protein change: p.Leu2014Arg; replaces leucine 2014 with arginine.
Molecular consequence: missense variant. On other transcripts: intron variant (1).
Genome position (GRCh38, 1-based): chr8:143,923,888, A>C on the plus strand (T>G on the coding strand, the complement: PLEC is on the minus strand). VCF-style: chr8-143923888-A-C. GRCh37 (hg19) VCF-style: chr8-144998056-A-C.
Other names: c.4126-1493T>G (NM_001410941.1); c.6122T>G, p.Leu2041Arg (NM_000445.5); c.5999T>G, p.Leu2000Arg (NM_201378.4); c.5975T>G, p.Leu1992Arg (NM_201379.3); c.6452T>G, p.Leu2151Arg (NM_201380.4); c.5945T>G, p.Leu1982Arg (NM_201381.3); c.6041T>G, p.Leu2014Arg (NM_201382.4); c.6053T>G, p.Leu2018Arg (NM_201383.3); short protein forms L1982R, L1992R, L2000R, L2014R, L2018R, L2041R, L2151R.
Identifiers: ClinVar variation 3760016 (VCV003760016.2).

ClinVar aggregate classification (germline): Uncertain significance (1 of 4 stars; one submission).

Conditions:
Epidermolysis bullosa simplex with nail dystrophy (EBS5D). Identifiers: MedGen C4225309, MONDO:0014661, OMIM 616487.
Epidermolysis bullosa simplex, Ogna type (EBS5A). Also called: EPIDERMOLYSIS BULLOSA SIMPLEX 5A, OGNA TYPE; Pidermolysis bullosa simplex 5A, Ogna type. Identifiers: Orphanet 79401, MedGen C0432317, MONDO:0007555, OMIM 131950.
Autosomal recessive limb-girdle muscular dystrophy type 2Q (LGMDR17). Also called: MUSCULAR DYSTROPHY, LIMB-GIRDLE, AUTOSOMAL RECESSIVE 17. Identifiers: Orphanet 254361, MedGen C3150989, MONDO:0013390, OMIM 613723.
Epidermolysis bullosa simplex 5B, with muscular dystrophy (EBS5B). Also called: EPIDERMOLYSIS BULLOSA SIMPLEX AND LIMB-GIRDLE MUSCULAR DYSTROPHY; Epidermolysis bullosa simplex with muscular dystrophy. Identifiers: Orphanet 257, MedGen C2931072, MONDO:0009181, OMIM 226670.
Epidermolysis bullosa simplex 5C, with pyloric atresia (EBS5C). Also called: PLEC1-Related Epidermolysis Bullosa with Pyloric Atresia; PLEC-Related Epidermolysis Bullosa with Pyloric Atresia; Epidermolysis bullosa simplex with pyloric atresia. Identifiers: Orphanet 158684, MedGen C2677349, MONDO:0012807, OMIM 612138.

Submission:

Labcorp Genetics (formerly Invitae), Labcorp
Classification: Uncertain significance for Autosomal recessive limb-girdle muscular dystrophy type 2Q; Epidermolysis bullosa simplex, Ogna type; Epidermolysis bullosa simplex with nail dystrophy; Epidermolysis bullosa simplex 5C, with pyloric atresia; Epidermolysis bullosa simplex 5B, with muscular dystrophy. Last evaluated: 2024-12-10. Review status: criteria provided, single submitter. Criteria: Invitae Variant Classification Sherloc (09022015). Collection method: clinical testing. Allele origin: germline.
Comment: This sequence change replaces leucine, which is neutral and non-polar, with arginine, which is basic and polar, at codon 2041 of the PLEC protein (p.Leu2041Arg). This variant is not present in population databases (gnomAD no frequency). This variant has not been reported in the literature in individuals affected with PLEC-related conditions. Experimental studies and prediction algorithms are not available or were not evaluated, and the functional significance of this variant is currently unknown. In summary, the available evidence is currently insufficient to determine the role of this variant in disease. Therefore, it has been classified as a Variant of Uncertain Significance.